The following is an entry in ClinVar:

Conditions:
Breast-ovarian cancer, familial, susceptibility to, 1 (BROVCA1). Also called: BRCA1 Hereditary Breast and Ovarian Cancer; OVARIAN CANCER, SUSCEPTIBILITY TO. Identifiers: Orphanet 145, MedGen C2676676, MONDO:0011450, OMIM 604370. Disease mechanism: loss of function.

Submission:

Brotman Baty Institute, University of Washington
No classification provided (evidence only). Condition: Breast-ovarian cancer, familial 1. Review status: no classification provided. Collection method: in vitro. Allele origin: not applicable. Functional consequence: functionally_normal.
ClinVar note: "not provided" was previously submitted as the classification for the variant. However, the classification appeared to be based only on an observation of functional data so it was converted to no classification on 2025-07-30.

NM_007294.4(BRCA1):c.5093A>T (p.Glu1698Val)

Gene: BRCA1 (BRCA1 DNA repair associated; minus strand). Cytogenetic location: 17q21.31.
Variant type: single nucleotide variant.
Coding change: c.5093A>T on transcript NM_007294.4 (MANE Select); coding-DNA position 5093, A replaced by T.
Protein change: p.Glu1698Val; replaces glutamic acid 1698 with valine.
Molecular consequence: missense variant. On other transcripts: non-coding transcript variant (1).
Genome position (GRCh38, 1-based): chr17:43,063,933, T>A on the plus strand (A>T on the coding strand, the complement: BRCA1 is on the minus strand). VCF-style: chr17-43063933-T-A. GRCh37 (hg19) VCF-style: chr17-41215950-T-A.
Other names: c.4880A>T, p.Glu1627Val (NM_001407571.1, NM_001407907.1, NM_001407908.1 and 12 more transcripts); c.5159A>T, p.Glu1720Val (NM_001407581.1, NM_001407582.1); c.5156A>T, p.Glu1719Val (NM_001407583.1, NM_001407585.1, NM_001407587.1 and 1 more transcripts); c.5153A>T, p.Glu1718Val (NM_001407590.1, NM_001407591.1); c.5093A>T, p.Glu1698Val (NM_001407593.1, NM_001407594.1, NM_001407596.1 and 7 more transcripts); c.5090A>T, p.Glu1697Val (NM_001407610.1, NM_001407611.1, NM_001407612.1 and 17 more transcripts); c.5087A>T, p.Glu1696Val (NM_001407631.1, NM_001407632.1, NM_001407633.1 and 14 more transcripts); c.5015A>T, p.Glu1672Val (NM_001407654.1, NM_001407655.1, NM_001407653.1); and 71 more; short protein forms E1698V, E1719V, E1651V, E594V, E1402V, E1529V, E1586V, E1587V.
Identifiers: ClinVar variation 868635 (VCV000868635.3), dbSNP rs2051929401, ClinGen allele CA10591337.
Genomic context (GRCh38, chr17:43,063,933, plus strand): 5'-CAGAAATAGCTAACTACCCATTTTCCTCCCGCAATTCCTAGAAAATATTTCAGTGTCCGT[T>A]CACACACAAACTCAGCATCTGCAGAATGAAAAACACTCAAAGGATTAGAAGTTGAAAACA-3'
Protein context (NP_009225.1, residues 1688-1708): VMKTDAEFVC[Glu1698Val]RTLKYFLGIA